The following is an entry in ClinVar:

ClinVar aggregate classification (germline): Uncertain significance (1 of 4 stars; one submission).

Allele frequency attached by ClinVar (database versions not stated): gnomAD exomes 0.00001.
gnomAD v4.1: 16 of 1,535,344 alleles (0.001%); highest among the groups gnomAD compares: Non-Finnish European, 0.0013%; no homozygotes.

Submission:

Labcorp Genetics (formerly Invitae), Labcorp
Classification: Uncertain significance. Last evaluated: 2022-11-15. Review status: criteria provided, single submitter. Criteria: Invitae Variant Classification Sherloc (09022015). Collection method: clinical testing. Allele origin: germline.
Comment: In summary, the available evidence is currently insufficient to determine the role of this variant in disease. Therefore, it has been classified as a Variant of Uncertain Significance. Algorithms developed to predict the effect of sequence changes on RNA splicing suggest that this variant may create or strengthen a splice site. This variant has not been reported in the literature in individuals affected with ZNF469-related conditions. This variant is present in population databases (no rsID available, gnomAD 0.002%). This sequence change affects codon 67 of the ZNF469 mRNA. It is a 'silent' change, meaning that it does not change the encoded amino acid sequence of the ZNF469 protein.

NM_001367624.2(ZNF469):c.201G>A (p.Gln67=)

Gene: ZNF469 (zinc finger protein 469; plus strand). Cytogenetic location: 16q24.2.
Variant type: single nucleotide variant.
Coding change: c.201G>A on transcript NM_001367624.2 (MANE Select); coding-DNA position 201, G replaced by A.
Protein change: p.Gln67=; no amino-acid change (glutamine 67 retained).
Molecular consequence: synonymous variant.
Genome position (GRCh38, 1-based): chr16:88,427,671, G>A. VCF-style: chr16-88427671-G-A. GRCh37 (hg19) VCF-style: chr16-88494079-G-A.
Identifiers: ClinVar variation 2421472 (VCV002421472.7), dbSNP rs1480556450, ClinGen allele CA497343410.